The following is an entry in ClinVar:

ClinVar aggregate classification (germline): Uncertain significance (1 of 4 stars; one submission).

gnomAD v4.1: 2 of 1,613,972 alleles (0.00012%); highest among the groups gnomAD compares: Non-Finnish European, 0.00017%; no homozygotes.

Submission:

Labcorp Genetics (formerly Invitae), Labcorp
Classification: Uncertain significance. Last evaluated: 2024-03-20. Review status: criteria provided, single submitter. Criteria: Invitae Variant Classification Sherloc (09022015). Collection method: clinical testing. Allele origin: germline.
Comment: This sequence change replaces serine, which is neutral and polar, with proline, which is neutral and non-polar, at codon 360 of the FBLN5 protein (p.Ser360Pro). This variant is not present in population databases (gnomAD no frequency). This variant has not been reported in the literature in individuals affected with FBLN5-related conditions. Advanced modeling of protein sequence and biophysical properties (such as structural, functional, and spatial information, amino acid conservation, physicochemical variation, residue mobility, and thermodynamic stability) performed at Invitae indicates that this missense variant is not expected to disrupt FBLN5 protein function with a negative predictive value of 80%. In summary, the available evidence is currently insufficient to determine the role of this variant in disease. Therefore, it has been classified as a Variant of Uncertain Significance.

NM_006329.4(FBLN5):c.1078T>C (p.Ser360Pro)

Gene: FBLN5 (fibulin 5; minus strand). Cytogenetic location: 14q32.12.
Variant type: single nucleotide variant.
Coding change: c.1078T>C on transcript NM_006329.4 (MANE Select); coding-DNA position 1078, T replaced by C.
Protein change: p.Ser360Pro; replaces serine 360 with proline.
Molecular consequence: missense variant.
Genome position (GRCh38, 1-based): chr14:91,877,594, A>G on the plus strand (T>C on the coding strand, the complement: FBLN5 is on the minus strand). VCF-style: chr14-91877594-A-G. GRCh37 (hg19) VCF-style: chr14-92343938-A-G.
Other names: c.910T>C, p.Ser304Pro (NM_001384162.1, NM_001384161.1); c.1201T>C, p.Ser401Pro (NM_001384158.1); c.1129T>C, p.Ser377Pro (NM_001384159.1); c.1078T>C, p.Ser360Pro (NM_001384160.1); short protein forms S377P, S401P, S304P, S360P.
Identifiers: ClinVar variation 3646952 (VCV003646952.2).